The following is an entry in ClinVar:

ClinVar aggregate classification (germline): Benign/Likely benign. Review status: criteria provided, multiple submitters, no conflicts (2 of 4 stars). 4 submissions from 4 submitters: Benign (1); Likely benign (3). Last evaluated 2025-05-20.

Conditions:
Tuberous sclerosis 2 (TSC2). Identifiers: Orphanet 805, MedGen C1860707, MONDO:0013199, OMIM 613254.
Hereditary cancer-predisposing syndrome. Also called: Hereditary neoplastic syndrome; Neoplastic Syndromes, Hereditary; Tumor predisposition; Hereditary Cancer Syndrome. Identifiers: Orphanet 140162, MedGen C0027672, MeSH D009386, MONDO:0015356.

Submissions (4):

Myriad Genetics, Inc.
Classification: Benign for Tuberous sclerosis 2. Last evaluated: 2025-05-20. Review status: criteria provided, single submitter. Criteria: Myriad Autosomal Dominant, Autosomal Recessive and X-Linked Classification Criteria (2023). Collection method: clinical testing. Allele origin: unknown.
Comment: This variant is considered benign. This variant is a silent/synonymous amino acid change and it is not expected to impact splicing.

CeGaT Center for Human Genetics Tuebingen
Classification: Likely benign. Last evaluated: 2024-12-01. Review status: criteria provided, single submitter. Criteria: CeGaT Center For Human Genetics Tuebingen Variant Classification Criteria Version 2. Collection method: clinical testing. Allele origin: germline. Affected: yes. Observed: 1 variant allele.
Comment: TSC2: PM2:Supporting, BP4, BP7

Labcorp Genetics (formerly Invitae), Labcorp
Classification: Likely benign for Tuberous sclerosis 2. Last evaluated: 2022-08-21. Review status: criteria provided, single submitter. Criteria: Invitae Variant Classification Sherloc (09022015). Collection method: clinical testing. Allele origin: germline.

Ambry Genetics
Classification: Likely benign for Hereditary cancer-predisposing syndrome. Last evaluated: 2019-12-26. Review status: criteria provided, single submitter. Criteria: Ambry Variant Classification Scheme 2023. Collection method: clinical testing. Allele origin: germline.

NM_000548.5(TSC2):c.2475T>C (p.Val825=)

Gene: TSC2 (TSC complex subunit 2; plus strand). Cytogenetic location: 16p13.3.
Variant type: single nucleotide variant.
Coding change: c.2475T>C on transcript NM_000548.5 (MANE Select); coding-DNA position 2475, T replaced by C.
Protein change: p.Val825=; no amino-acid change (valine 825 retained).
Molecular consequence: synonymous variant. On other transcripts: non-coding transcript variant (5).
Genome position (GRCh38, 1-based): chr16:2,074,319, T>C. VCF-style: chr16-2074319-T-C. GRCh37 (hg19) VCF-style: chr16-2124320-T-C.
Other names: c.2475T>C, p.Val825= (NM_001077183.3, NM_001114382.3, NM_001363528.2 and 6 more transcripts); c.2364T>C, p.Val788= (NM_001318827.2, NM_001406670.1, NM_001406678.1); c.2328T>C, p.Val776= (NM_001318829.2, NM_001406675.1, NM_001406676.1 and 1 more transcripts); c.1875T>C, p.Val625= (NM_001318831.2, NM_001406680.1, NM_001406682.1 and 6 more transcripts); c.2508T>C, p.Val836= (NM_001318832.2); c.2565T>C, p.Val855= (NM_001406667.1, NM_001406668.1); c.2463T>C, p.Val821= (NM_001406671.1, NM_001406673.1); c.2418T>C, p.Val806= (NM_001406677.1); and 3 more.
Identifiers: ClinVar variation 1791835 (VCV001791835.21), dbSNP rs2088932822, ClinGen allele CA492953138.